The following is an entry in ClinVar:

NC_012920.1(MT-ATP8):m.8538T>C

Genes: MT-ATP6 (mitochondrially encoded ATP synthase 6; plus strand), MT-ATP8 (mitochondrially encoded ATP synthase 8; plus strand).
Variant type: single nucleotide variant.
Genome position: chrM-8538-T-C.
Identifiers: ClinVar variation 235326 (VCV000235326.3), dbSNP rs878853010, ClinGen allele CA10581276.

ClinVar aggregate classification (germline): Uncertain significance (1 of 4 stars; one submission).

Submission:

Center for Pediatric Genomic Medicine, Children's Mercy Hospital and Clinics
Classification: Uncertain significance. Last evaluated: 2015-09-25. Review status: criteria provided, single submitter. Criteria: ACMG Guidelines, 2015. Collection method: clinical testing. Allele origin: germline.
ClinVar note: Converted during submission from Uncertain Significance to Uncertain significance.